The following is an entry in ClinVar:

NM_130837.3(OPA1):c.2434A>C (p.Lys812Gln)

Gene: OPA1 (OPA1 mitochondrial dynamin like GTPase; plus strand). Cytogenetic location: 3q29.
Variant type: single nucleotide variant.
Coding change: c.2434A>C on transcript NM_130837.3 (MANE Select); coding-DNA position 2434, A replaced by C.
Protein change: p.Lys812Gln; replaces lysine 812 with glutamine.
Molecular consequence: missense variant.
Genome position (GRCh38, 1-based): chr3:193,658,989, A>C. VCF-style: chr3-193658989-A-C. GRCh37 (hg19) VCF-style: chr3-193376778-A-C.
Other names: c.1900A>C, p.Lys634Gln (NM_001354663.2); c.1897A>C, p.Lys633Gln (NM_001354664.2); c.2269A>C, p.Lys757Gln (NM_015560.3); c.2161A>C, p.Lys721Gln (NM_130831.3); c.2215A>C, p.Lys739Gln (NM_130832.3); c.2272A>C, p.Lys758Gln (NM_130833.3); c.2323A>C, p.Lys775Gln (NM_130834.3); c.2326A>C, p.Lys776Gln (NM_130835.3); and 1 more; short protein forms K633Q, K634Q, K721Q, K739Q, K757Q, K758Q, K775Q, K776Q.
Identifiers: ClinVar variation 3234729 (VCV003234729.20), dbSNP rs1191223125, ClinGen allele CA355792071.
Genomic context (GRCh38, chr3:193,658,989, plus strand): 5'-GATAAACAGCAATGGGATGCAGCTATTTATTTTATGGAAGAGGCTCTGCAGGCTCGTCTC[A>C]AGGATAGTAAGTGGAGACACGGCTTATTGAGTTCTGAGTTCACAGTGGTGAAGGAGTCAT-3'
Protein context (NP_570850.2, residues 802-822): FMEEALQARL[Lys812Gln]DTENAIENMV

ClinVar aggregate classification (germline): Uncertain significance (1 of 4 stars; one submission).

Submission:

CeGaT Center for Human Genetics Tuebingen
Classification: Uncertain significance. Last evaluated: 2024-04-01. Review status: criteria provided, single submitter. Criteria: CeGaT Center For Human Genetics Tuebingen Variant Classification Criteria Version 2. Collection method: clinical testing. Allele origin: germline. Affected: yes. Observed: 1 variant allele.
Comment: OPA1: PM2, BP4